The following is an entry in ClinVar:

NM_005876.5(SPEG):c.8164C>T (p.His2722Tyr)

Genes: ASIC4-AS1 (ASIC4 antisense RNA 1; minus strand), SPEG (striated muscle enriched protein kinase; plus strand). Cytogenetic location: 2q35.
Variant type: single nucleotide variant.
Coding change: c.8164C>T on transcript NM_005876.5 (MANE Select); coding-DNA position 8164, C replaced by T.
Protein change: p.His2722Tyr; replaces histidine 2722 with tyrosine.
Molecular consequence: missense variant.
Genome position (GRCh38, 1-based): chr2:219,489,068, C>T. VCF-style: chr2-219489068-C-T. GRCh37 (hg19) VCF-style: chr2-220353790-C-T.
Other names: short protein forms H2722Y.
Identifiers: ClinVar variation 3722456 (VCV003722456.2).
Genomic context (GRCh38, chr2:219,489,068, plus strand): 5'-GGCCACCGCTTCTGTGACCTCAGCCCCTCCCCCATACTGCCTATAGGGGAGTCTGTGTGG[C>T]ACCCTGTGAGCTCAGGCATCCCCGACTGTTACTACAACGTGACCCACCTGCCAGTTGGCG-3'
Protein context (NP_005867.3, residues 2712-2732): ERRVDGESVW[His2722Tyr]PVSSGIPDCY

ClinVar aggregate classification (germline): Uncertain significance (1 of 4 stars; one submission).

gnomAD v4.1: 1 of 1,613,832 alleles (0.000062%); highest among the groups gnomAD compares: Non-Finnish European, 0.000085%; no homozygotes.

Submission:

Labcorp Genetics (formerly Invitae), Labcorp
Classification: Uncertain significance. Last evaluated: 2024-10-08. Review status: criteria provided, single submitter. Criteria: Invitae Variant Classification Sherloc (09022015). Collection method: clinical testing. Allele origin: germline.
Comment: This sequence change replaces histidine, which is basic and polar, with tyrosine, which is neutral and polar, at codon 2722 of the SPEG protein (p.His2722Tyr). This variant is not present in population databases (gnomAD no frequency). This variant has not been reported in the literature in individuals affected with SPEG-related conditions. An algorithm developed to predict the effect of missense changes on protein structure and function (PolyPhen-2) suggests that this variant is likely to be disruptive. In summary, the available evidence is currently insufficient to determine the role of this variant in disease. Therefore, it has been classified as a Variant of Uncertain Significance.